The following is an entry in ClinVar:

ClinVar aggregate classification (germline): Uncertain significance (1 of 4 stars; one submission).

Conditions:
Fanconi anemia (FA). Also called: Fanconi's anemia. Identifiers: Orphanet 84, MedGen C0015625, MeSH D005199, MONDO:0019391.

Allele frequency attached by ClinVar (database versions not stated): gnomAD exomes below 0.00001; gnomAD 0.00001.
gnomAD v4.1: 2 of 1,613,978 alleles (0.00012%); highest among the groups gnomAD compares: East Asian, 0.0045%; no homozygotes.

Submission:

Labcorp Genetics (formerly Invitae), Labcorp
Classification: Uncertain significance for Fanconi anemia. Last evaluated: 2023-09-03. Review status: criteria provided, single submitter. Criteria: Invitae Variant Classification Sherloc (09022015). Collection method: clinical testing. Allele origin: germline.
Comment: This sequence change replaces glycine, which is neutral and non-polar, with alanine, which is neutral and non-polar, at codon 340 of the SLX4 protein (p.Gly340Ala). This variant is not present in population databases (gnomAD no frequency). This variant has not been reported in the literature in individuals affected with SLX4-related conditions. An algorithm developed to predict the effect of missense changes on protein structure and function (PolyPhen-2) suggests that this variant is likely to be disruptive. In summary, the available evidence is currently insufficient to determine the role of this variant in disease. Therefore, it has been classified as a Variant of Uncertain Significance.

NM_032444.4(SLX4):c.1019G>C (p.Gly340Ala)

Gene: SLX4 (SLX4 structure-specific endonuclease subunit; minus strand). Cytogenetic location: 16p13.3.
Variant type: single nucleotide variant.
Coding change: c.1019G>C on transcript NM_032444.4 (MANE Select); coding-DNA position 1019, G replaced by C.
Protein change: p.Gly340Ala; replaces glycine 340 with alanine.
Molecular consequence: missense variant.
Genome position (GRCh38, 1-based): chr16:3,601,123, C>G on the plus strand (G>C on the coding strand, the complement: SLX4 is on the minus strand). VCF-style: chr16-3601123-C-G. GRCh37 (hg19) VCF-style: chr16-3651124-C-G.
Other names: short protein forms G340A.
Identifiers: ClinVar variation 2757635 (VCV002757635.3), dbSNP rs2040722603, ClinGen allele CA394531827.
Genomic context (GRCh38, chr16:3,601,123, plus strand): 5'-ATCTTCACAGCACACTGCTTCAAGTGACTGGTTCTGCTCTTTAAGGTAAGAAACGGTTTC[C>G]CACAAATCGGGCACTCAGGGATCTGAGGCACAGAAGGTCTTAGTGTCTTTTCAGCTTCAT-3'
Protein context (NP_115820.2, residues 330-350): VPQIPECPIC[Gly340Ala]KPFLTLKSRT